The following is an entry in ClinVar:

NM_000179.3(MSH6):c.3568T>G (p.Phe1190Val)

Gene: MSH6 (mutS homolog 6; plus strand). Cytogenetic location: 2p16.3.
Variant type: single nucleotide variant.
Coding change: c.3568T>G on transcript NM_000179.3 (MANE Select); coding-DNA position 3568, T replaced by G.
Protein change: p.Phe1190Val; replaces phenylalanine 1190 with valine.
Molecular consequence: missense variant.
Genome position (GRCh38, 1-based): chr2:47,805,629, T>G. VCF-style: chr2-47805629-T-G. GRCh37 (hg19) VCF-style: chr2-48032768-T-G.
Other names: c.3178T>G, p.Phe1060Val (NM_001281492.2); c.2662T>G, p.Phe888Val (NM_001281493.2, NM_001281494.2); short protein forms F1190V, F888V, F1060V.
Identifiers: ClinVar variation 581918 (VCV000581918.11), dbSNP rs778651272, ClinGen allele CA346760465.

ClinVar aggregate classification (germline): Uncertain significance. Review status: criteria provided, multiple submitters, no conflicts (2 of 4 stars). 3 submissions from 3 submitters: Uncertain significance (3). Last evaluated 2025-05-19.

Conditions:
Hereditary cancer-predisposing syndrome. Also called: Neoplastic Syndromes, Hereditary; Hereditary Cancer Syndrome; Tumor predisposition; Hereditary neoplastic syndrome. Identifiers: Orphanet 140162, MedGen C0027672, MeSH D009386, MONDO:0015356.
Hereditary nonpolyposis colorectal neoplasms. Identifiers: MedGen C0009405, MeSH D003123.

gnomAD v4.1: 1 of 1,610,710 alleles (0.000062%); highest among the groups gnomAD compares: South Asian, 0.0011%; no homozygotes.

Submissions (3):

Ambry Genetics
Classification: Uncertain significance for Hereditary cancer-predisposing syndrome. Last evaluated: 2025-05-19. Review status: criteria provided, single submitter. Criteria: Ambry Variant Classification Scheme 2023. Collection method: clinical testing. Allele origin: germline.
Comment: The p.F1190V variant (also known as c.3568T>G), located in coding exon 7 of the MSH6 gene, results from a T to G substitution at nucleotide position 3568. The phenylalanine at codon 1190 is replaced by valine, an amino acid with highly similar properties. This amino acid position is conserved. In addition, this alteration is predicted to be deleterious by in silico analysis. Based on the available evidence, the clinical significance of this variant remains unclear.

GeneDx
Classification: Uncertain significance. Last evaluated: 2022-10-07. Review status: criteria provided, single submitter. Criteria: GeneDx Variant Classification Process June 2021. Collection method: clinical testing. Allele origin: germline. Affected: yes.
Comment: Not observed at significant frequency in large population cohorts (gnomAD); In silico analysis supports that this missense variant has a deleterious effect on protein structure/function; Has not been previously published as pathogenic or benign to our knowledge; This variant is associated with the following publications: (PMID: 17531815, 21120944)

Labcorp Genetics (formerly Invitae), Labcorp
Classification: Uncertain significance for Hereditary nonpolyposis colorectal neoplasms. Last evaluated: 2018-05-10. Review status: criteria provided, single submitter. Criteria: Invitae Variant Classification Sherloc (09022015). Collection method: clinical testing. Allele origin: germline.
Comment: This sequence change replaces phenylalanine with valine at codon 1190 of the MSH6 protein (p.Phe1190Val). The phenylalanine residue is highly conserved and there is a small physicochemical difference between phenylalanine and valine. In summary, the available evidence is currently insufficient to determine the role of this variant in disease. Therefore, it has been classified as a Variant of Uncertain Significance. This variant is not present in population databases (ExAC no frequency). This variant has not been reported in the literature in individuals with MSH6-related disease. Algorithms developed to predict the effect of missense changes on protein structure and function (SIFT, PolyPhen-2, Align-GVGD) all suggest that this variant is likely to be disruptive, but these predictions have not been confirmed by published functional studies and their clinical significance is uncertain.